The following is an entry in ClinVar:

NM_006204.4(PDE6C):c.2367G>C (p.Lys789Asn)

Gene: PDE6C (phosphodiesterase 6C; plus strand). Cytogenetic location: 10q23.33.
Variant type: single nucleotide variant.
Coding change: c.2367G>C on transcript NM_006204.4 (MANE Select); coding-DNA position 2367, G replaced by C.
Protein change: p.Lys789Asn; replaces lysine 789 with asparagine.
Molecular consequence: missense variant.
Genome position (GRCh38, 1-based): chr10:93,662,643, G>C. VCF-style: chr10-93662643-G-C. GRCh37 (hg19) VCF-style: chr10-95422400-G-C.
Other names: short protein forms K789N.
Identifiers: ClinVar variation 2110401 (VCV002110401.4), dbSNP rs2058671471, ClinGen allele CA377628666.

ClinVar aggregate classification (germline): Uncertain significance (1 of 4 stars; one submission).

gnomAD v4.1: 1 of 1,224,644 alleles (0.000082%); highest among the groups gnomAD compares: African/African-American, 0.0015%; no homozygotes.

Submission:

Labcorp Genetics (formerly Invitae), Labcorp
Classification: Uncertain significance. Last evaluated: 2022-08-23. Review status: criteria provided, single submitter. Criteria: Invitae Variant Classification Sherloc (09022015). Collection method: clinical testing. Allele origin: germline.
Comment: In summary, the available evidence is currently insufficient to determine the role of this variant in disease. Therefore, it has been classified as a Variant of Uncertain Significance. Variants that disrupt the consensus splice site are a relatively common cause of aberrant splicing (PMID: 17576681, 9536098). Algorithms developed to predict the effect of missense changes on protein structure and function are either unavailable or do not agree on the potential impact of this missense change (SIFT: "Deleterious"; PolyPhen-2: "Possibly Damaging"; Align-GVGD: "Class C0"). This variant has not been reported in the literature in individuals affected with PDE6C-related conditions. This variant is not present in population databases (gnomAD no frequency). This sequence change replaces lysine, which is basic and polar, with asparagine, which is neutral and polar, at codon 789 of the PDE6C protein (p.Lys789Asn). This variant also falls at the last nucleotide of exon 20, which is part of the consensus splice site for this exon.

Literature cited by the submitters: PubMed 17576681; PubMed 9536098.